The following is an entry in ClinVar:

NM_013275.6(ANKRD11):c.5415C>T (p.Val1805=)

Gene: ANKRD11 (ankyrin repeat domain 11; minus strand). Cytogenetic location: 16q24.3.
Variant type: single nucleotide variant.
Coding change: c.5415C>T on transcript NM_013275.6 (MANE Select); coding-DNA position 5415, C replaced by T.
Protein change: p.Val1805=; no amino-acid change (valine 1805 retained).
Molecular consequence: synonymous variant.
Genome position (GRCh38, 1-based): chr16:89,281,127, G>A on the plus strand (C>T on the coding strand, the complement: ANKRD11 is on the minus strand). VCF-style: chr16-89281127-G-A. GRCh37 (hg19) VCF-style: chr16-89347535-G-A.
Other names: c.5415C>T, p.Val1805= (NM_001256182.2, NM_001256183.2).
Identifiers: ClinVar variation 1270529 (VCV001270529.30), dbSNP rs549029103, ClinGen allele CA8241849.

ClinVar aggregate classification (germline): Benign/Likely benign. Review status: criteria provided, multiple submitters, no conflicts (2 of 4 stars). 4 submissions from 4 submitters: Benign (2); Likely benign (2). Last evaluated 2025-07-28.

Conditions:
KBG syndrome (KBGS). Also called: ANKRD11-Related KBG Syndrome. Identifiers: Orphanet 2332, MedGen C0220687, MONDO:0007846, OMIM 148050.

Allele frequency attached by ClinVar (database versions not stated): gnomAD 0.00001 and 0.00007; TOPMed 0.00001; gnomAD exomes 0.00011 and 0.00025; ExAC 0.00025; 1000 Genomes Project 30x 0.00047; 1000 Genomes Project 0.00060.
gnomAD v4.1: 173 of 1,612,906 alleles (0.011%); highest among the groups gnomAD compares: South Asian, 0.18%; no homozygotes.

Submissions (4):

Labcorp Genetics (formerly Invitae), Labcorp
Classification: Benign for KBG syndrome. Last evaluated: 2025-07-28. Review status: criteria provided, single submitter. Criteria: Invitae Variant Classification Sherloc (09022015). Collection method: clinical testing. Allele origin: germline.

Blueprint Genetics
Classification: Likely benign. Last evaluated: 2024-09-17. Review status: criteria provided, single submitter. Criteria: ACMG Guidelines, 2015. Collection method: clinical testing. Allele origin: germline.

CeGaT Center for Human Genetics Tuebingen
Classification: Likely benign. Last evaluated: 2023-02-01. Review status: criteria provided, single submitter. Criteria: CeGaT Center For Human Genetics Tuebingen Variant Classification Criteria Version 2. Collection method: clinical testing. Allele origin: germline. Affected: yes. Observed: 1 variant allele.
Comment: ANKRD11: BP4, BP7, BS1

GeneDx
Classification: Benign. Last evaluated: 2019-10-29. Review status: criteria provided, single submitter. Criteria: GeneDx Variant Classification Process June 2021. Collection method: clinical testing. Allele origin: germline. Affected: yes.